The following is an entry in ClinVar:

NM_001195263.2(PDZD7):c.386T>A (p.Val129Glu)

Gene: PDZD7 (PDZ domain containing 7; minus strand). Cytogenetic location: 10q24.31.
Variant type: single nucleotide variant.
Coding change: c.386T>A on transcript NM_001195263.2 (MANE Select); coding-DNA position 386, T replaced by A.
Protein change: p.Val129Glu; replaces valine 129 with glutamic acid.
Molecular consequence: missense variant.
Genome position (GRCh38, 1-based): chr10:101,023,592, A>T on the plus strand (T>A on the coding strand, the complement: PDZD7 is on the minus strand). VCF-style: chr10-101023592-A-T. GRCh37 (hg19) VCF-style: chr10-102783349-A-T.
Other names: c.386T>A, p.Val129Glu (NM_001351044.2, NM_024895.5); short protein forms V129E.
Identifiers: ClinVar variation 3660268 (VCV003660268.2).

ClinVar aggregate classification (germline): Uncertain significance (1 of 4 stars; one submission).

Submission:

Labcorp Genetics (formerly Invitae), Labcorp
Classification: Uncertain significance. Last evaluated: 2024-08-20. Review status: criteria provided, single submitter. Criteria: Invitae Variant Classification Sherloc (09022015). Collection method: clinical testing. Allele origin: germline.
Comment: This sequence change replaces valine, which is neutral and non-polar, with glutamic acid, which is acidic and polar, at codon 129 of the PDZD7 protein (p.Val129Glu). This variant is not present in population databases (gnomAD no frequency). This variant has not been reported in the literature in individuals affected with PDZD7-related conditions. Invitae Evidence Modeling of protein sequence and biophysical properties (such as structural, functional, and spatial information, amino acid conservation, physicochemical variation, residue mobility, and thermodynamic stability) indicates that this missense variant is not expected to disrupt PDZD7 protein function with a negative predictive value of 80%. In summary, the available evidence is currently insufficient to determine the role of this variant in disease. Therefore, it has been classified as a Variant of Uncertain Significance.